The following is an entry in ClinVar:

ClinVar aggregate classification (germline): Benign. Review status: criteria provided, multiple submitters, no conflicts (2 of 4 stars). 3 submissions from 3 submitters: Benign (3). Last evaluated 2026-09-01.

Allele frequency attached by ClinVar (database versions not stated): 1000 Genomes Project 0.00779; ExAC 0.00801; 1000 Genomes Project 30x 0.00828; gnomAD exomes 0.00883; gnomAD 0.01081 and 0.01117; ESP Exome Variant Server 0.01154; TOPMed 0.01229.
gnomAD v4.1: 18,547 of 1,614,178 alleles (1.1%); highest among the groups gnomAD compares: Middle Eastern, 1.6%; 140 homozygotes.

Submissions (3):

CeGaT Center for Human Genetics Tuebingen
Classification: Benign. Last evaluated: 2026-09-01. Review status: criteria provided, single submitter. Criteria: CeGaT Center For Human Genetics Tuebingen Variant Classification Criteria Version 2. Collection method: clinical testing. Allele origin: germline. Affected: yes. Observed: 1 variant allele.
Comment: TNRC6A: BP4, BS1, BS2

Labcorp Genetics (formerly Invitae), Labcorp
Classification: Benign. Last evaluated: 2019-12-31. Review status: criteria provided, single submitter. Criteria: Invitae Variant Classification Sherloc (09022015). Collection method: clinical testing. Allele origin: germline.

Breakthrough Genomics
Classification: Benign. Review status: criteria provided, single submitter. Criteria: ACMG Guidelines, 2015. Collection method: not provided. Allele origin: germline. Inheritance: Autosomal dominant inheritance. Affected: yes.

NM_014494.4(TNRC6A):c.459G>A (p.Gln153=)

Gene: TNRC6A (trinucleotide repeat containing adaptor 6A; plus strand). Cytogenetic location: 16p12.1.
Variant type: single nucleotide variant.
Coding change: c.459G>A on transcript NM_014494.4 (MANE Select); coding-DNA position 459, G replaced by A.
Protein change: p.Gln153=; no amino-acid change (glutamine 153 retained).
Molecular consequence: synonymous variant.
Genome position (GRCh38, 1-based): chr16:24,777,228, G>A. VCF-style: chr16-24777228-G-A. GRCh37 (hg19) VCF-style: chr16-24788549-G-A.
Other names: c.459G>A, p.Gln153= (NM_001330520.3); c.486G>A, p.Gln162= (NM_001351850.2).
Identifiers: ClinVar variation 781725 (VCV000781725.6), dbSNP rs117821015, ClinGen allele CA7968356.